The following is an entry in ClinVar:

ClinVar aggregate classification (germline): Pathogenic (1 of 4 stars; one submission).

Submission:

Labcorp Genetics (formerly Invitae), Labcorp
Classification: Pathogenic. Last evaluated: 2023-01-10. Review status: criteria provided, single submitter. Criteria: Invitae Variant Classification Sherloc (09022015). Collection method: clinical testing. Allele origin: germline.
Comment: This sequence change creates a premature translational stop signal (p.Gln218*) in the HMOX1 gene. It is expected to result in an absent or disrupted protein product. Loss-of-function variants in HMOX1 are known to be pathogenic (PMID: 9884342, 21088618). This variant is not present in population databases (gnomAD no frequency). This variant has not been reported in the literature in individuals affected with HMOX1-related conditions. For these reasons, this variant has been classified as Pathogenic.

Literature cited by the submitters: PubMed 9884342; PubMed 21088618.

NM_002133.3(HMOX1):c.652C>T (p.Gln218Ter)

Gene: HMOX1 (heme oxygenase 1; plus strand). Cytogenetic location: 22q12.3.
Variant type: single nucleotide variant.
Coding change: c.652C>T on transcript NM_002133.3 (MANE Select); coding-DNA position 652, C replaced by T.
Protein change: p.Gln218Ter; replaces glutamine 218 with a stop codon.
Molecular consequence: nonsense.
Genome position (GRCh38, 1-based): chr22:35,389,879, C>T. VCF-style: chr22-35389879-C-T. GRCh37 (hg19) VCF-style: chr22-35785872-C-T.
Other names: short protein forms Q218*.
Identifiers: ClinVar variation 2784133 (VCV002784133.3), dbSNP rs1352922801, ClinGen allele CA411353649.